The following is an entry in ClinVar:

NM_001292063.2(OTOG):c.2030C>T (p.Pro677Leu)

Gene: OTOG (otogelin; plus strand). Cytogenetic location: 11p15.1.
Variant type: single nucleotide variant.
Coding change: c.2030C>T on transcript NM_001292063.2 (MANE Select); coding-DNA position 2030, C replaced by T.
Protein change: p.Pro677Leu; replaces proline 677 with leucine.
Molecular consequence: missense variant.
Genome position (GRCh38, 1-based): chr11:17,572,154, C>T. VCF-style: chr11-17572154-C-T. GRCh37 (hg19) VCF-style: chr11-17593701-C-T.
Other names: c.2066C>T, p.Pro689Leu (NM_001277269.2); short protein forms P677L, P689L.
Identifiers: ClinVar variation 1370487 (VCV001370487.6), dbSNP rs1182393340, ClinGen allele CA379769003.

ClinVar aggregate classification (germline): Uncertain significance (1 of 4 stars; one submission).

Allele frequency attached by ClinVar (database versions not stated): gnomAD exomes 0.00001.
gnomAD v4.1: 14 of 1,550,338 alleles (0.0009%); highest among the groups gnomAD compares: South Asian, 0.0048%; no homozygotes.

Submission:

Labcorp Genetics (formerly Invitae), Labcorp
Classification: Uncertain significance. Last evaluated: 2025-08-21. Review status: criteria provided, single submitter. Criteria: Invitae Variant Classification Sherloc (09022015). Collection method: clinical testing. Allele origin: germline.
Comment: This sequence change replaces proline, which is neutral and non-polar, with leucine, which is neutral and non-polar, at codon 689 of the OTOG protein (p.Pro689Leu). This variant is present in population databases (no rsID available, gnomAD 0.009%). This variant has not been reported in the literature in individuals affected with OTOG-related conditions. ClinVar contains an entry for this variant (Variation ID: 1370487). An algorithm developed to predict the effect of missense changes on protein structure and function (PolyPhen-2) suggests that this variant is likely to be tolerated. In summary, the available evidence is currently insufficient to determine the role of this variant in disease. Therefore, it has been classified as a Variant of Uncertain Significance.